The following is an entry in ClinVar:

ClinVar aggregate classification (germline): Uncertain significance. Review status: criteria provided, multiple submitters, no conflicts (2 of 4 stars). 5 submissions from 5 submitters: Uncertain significance (5). Last evaluated 2026-09-21.

Conditions:
BBS9-related disorder. Also called: BBS9-related condition.
Inborn genetic diseases. Identifiers: MedGen C0950123, MeSH D030342.
Bardet-Biedl syndrome (BBS). Identifiers: Orphanet 110, MedGen C0752166, MONDO:0015229.
Bardet-Biedl syndrome 9 (BBS9). Identifiers: Orphanet 110, MedGen C1859567, MONDO:0014437, OMIM 615986.

Allele frequency attached by ClinVar (database versions not stated): ESP Exome Variant Server 0.00023; gnomAD 0.00007 and 0.00008; TOPMed 0.00009.
gnomAD v4.1: 24 of 1,613,630 alleles (0.0015%); highest among the groups gnomAD compares: African/African-American, 0.031%; no homozygotes.

Submissions (5):

PreventionGenetics, part of Exact Sciences
Classification: Uncertain significance for BBS9-related condition. Last evaluated: 2026-09-21. Review status: criteria provided, single submitter. Criteria: ACMG Guidelines, 2015. Collection method: clinical testing. Allele origin: germline.
Comment: The BBS9 c.1768G>A variant is predicted to result in the amino acid substitution p.Val590Ile. This variant was reported in the heterozygous state in an individual with obesity (supplementary data, Roberts et al. 2022. PubMed ID: 35562395); however, a second potentially causative variant was apparently not detected in this individual. This variant is reported in 0.028% of alleles in individuals of African descent in gnomAD. At this time, the clinical significance of this variant is uncertain due to the absence of conclusive functional and genetic evidence.

Labcorp Genetics (formerly Invitae), Labcorp
Classification: Uncertain significance for Bardet-Biedl syndrome. Last evaluated: 2025-04-28. Review status: criteria provided, single submitter. Criteria: Invitae Variant Classification Sherloc (09022015). Collection method: clinical testing. Allele origin: germline.
Comment: This sequence change replaces valine, which is neutral and non-polar, with isoleucine, which is neutral and non-polar, at codon 590 of the BBS9 protein (p.Val590Ile). This variant is present in population databases (rs143016114, gnomAD 0.03%). This missense change has been observed in individual(s) with obesity (PMID: 35562395). ClinVar contains an entry for this variant (Variation ID: 194802). Invitae Evidence Modeling of protein sequence and biophysical properties (such as structural, functional, and spatial information, amino acid conservation, physicochemical variation, residue mobility, and thermodynamic stability) indicates that this missense variant is not expected to disrupt BBS9 protein function with a negative predictive value of 80%. In summary, the available evidence is currently insufficient to determine the role of this variant in disease. Therefore, it has been classified as a Variant of Uncertain Significance.

Fulgent Genetics
Classification: Uncertain significance for Bardet-Biedl syndrome 9. Last evaluated: 2024-01-11. Review status: criteria provided, single submitter. Criteria: ACMG Guidelines, 2015. Collection method: clinical testing. Allele origin: germline.

Ambry Genetics
Classification: Uncertain significance for Inborn genetic diseases. Last evaluated: 2023-09-13. Review status: criteria provided, single submitter. Criteria: Ambry Variant Classification Scheme 2023. Collection method: clinical testing. Allele origin: germline.

Eurofins Ntd Llc (ga)
Classification: Uncertain significance. Last evaluated: 2014-06-06. Review status: criteria provided, single submitter. Criteria: EGL Classification Definitions 2015. Collection method: clinical testing. Allele origin: germline. Observed: 1 variant allele, 1 heterozygote.

Literature cited by the submitters: PubMed 35562395 (cited by Labcorp Genetics (formerly Invitae), Labcorp).

NM_198428.3(BBS9):c.1768G>A (p.Val590Ile)

Gene: BBS9 (Bardet-Biedl syndrome 9; plus strand). Cytogenetic location: 7p14.3.
Variant type: single nucleotide variant.
Coding change: c.1768G>A on transcript NM_198428.3 (MANE Select); coding-DNA position 1768, G replaced by A.
Protein change: p.Val590Ile; replaces valine 590 with isoleucine.
Molecular consequence: missense variant. On other transcripts: non-coding transcript variant (3).
Genome position (GRCh38, 1-based): chr7:33,367,841, G>A. VCF-style: chr7-33367841-G-A. GRCh37 (hg19) VCF-style: chr7-33407453-G-A.
Other names: c.1663G>A, p.Val555Ile (NM_001033604.2); c.1753G>A, p.Val585Ile (NM_001033605.2); c.1768G>A, p.Val590Ile (NM_001348036.1, NM_001348041.4, NM_001348043.3 and 1 more transcripts); c.1402G>A, p.Val468Ile (NM_001348037.3, NM_001348045.3, NM_001348046.3); c.1495G>A, p.Val499Ile (NM_001348038.3); c.1390G>A, p.Val464Ile (NM_001348039.3); c.1648G>A, p.Val550Ile (NM_001348040.3, NM_014451.4); c.1633G>A, p.Val545Ile (NM_001348042.3); and 1 more; short protein forms V590I, V499I, V468I, V545I, V550I, V585I, V433I, V464I.
Identifiers: ClinVar variation 194802 (VCV000194802.16), dbSNP rs143016114, ClinGen allele CA240978.